The following is an entry in ClinVar:

ClinVar aggregate classification (germline): Uncertain significance (1 of 4 stars; one submission).

Submission:

GeneDx
Classification: Uncertain significance. Last evaluated: 2022-09-22. Review status: criteria provided, single submitter. Criteria: GeneDx Variant Classification Process June 2021. Collection method: clinical testing. Allele origin: germline. Affected: yes.
Comment: Not observed at significant frequency in large population cohorts (gnomAD); In silico analysis supports that this missense variant does not alter protein structure/function; Has not been previously published as pathogenic or benign to our knowledge

NM_173495.3(PTCHD1):c.1765G>A (p.Glu589Lys)

Gene: PTCHD1 (patched domain containing 1; plus strand). Cytogenetic location: Xp22.11.
Variant type: single nucleotide variant.
Coding change: c.1765G>A on transcript NM_173495.3 (MANE Select); coding-DNA position 1765, G replaced by A.
Protein change: p.Glu589Lys; replaces glutamic acid 589 with lysine.
Molecular consequence: missense variant.
Genome position (GRCh38, 1-based): chrX:23,393,283, G>A. VCF-style: chrX-23393283-G-A. GRCh37 (hg19) VCF-style: chrX-23411400-G-A.
Other names: short protein forms E589K.
Identifiers: ClinVar variation 2446253 (VCV002446253.1), dbSNP rs2518767129, ClinGen allele CA412585919.